The following is an entry in ClinVar:

NM_001163560.3(MEIOB):c.224A>C (p.Lys75Thr)

Gene: MEIOB (meiosis specific with OB-fold; minus strand). Cytogenetic location: 16p13.3.
Variant type: single nucleotide variant.
Coding change: c.224A>C on transcript NM_001163560.3 (MANE Select); coding-DNA position 224, A replaced by C.
Protein change: p.Lys75Thr; replaces lysine 75 with threonine.
Molecular consequence: missense variant.
Genome position (GRCh38, 1-based): chr16:1,862,020, T>G on the plus strand (A>C on the coding strand, the complement: MEIOB is on the minus strand). VCF-style: chr16-1862020-T-G. GRCh37 (hg19) VCF-style: chr16-1912021-T-G.
Other names: c.224A>C, p.Lys75Thr (NM_152764.3); short protein forms K75T.
Identifiers: ClinVar variation 3056873 (VCV003056873.2), dbSNP rs1657125, ClinGen allele CA7821981.
Genomic context (GRCh38, chr16:1,862,020, plus strand): 5'-AGTTTAAGAATCAATGCCAACTTACCACAGTCACCAACCCTAAAGCTGTCAGAAAGAGAC[T>G]TGATGTAATCTTCATTGCCCCAGGAAGCTGCATTTACAAAATGTGCTGGTGAATCCCGAA-3'
Protein context (NP_001157032.1, residues 65-85): AASWGNEDYI[Lys75Thr]SLSDSFRVGD

ClinVar aggregate classification (germline): Benign (0 of 4 stars; one submission).

Conditions:
MEIOB-related disorder. Also called: MEIOB-related condition.

Allele frequency attached by ClinVar (database versions not stated): ESP Exome Variant Server 0.14214; TOPMed 0.14868; gnomAD 0.14920; ExAC 0.15152; 1000 Genomes Project 30x 0.16443; 1000 Genomes Project 0.16713.
gnomAD v4.1: 220,796 of 1,550,704 alleles (14%); highest among the groups gnomAD compares: East Asian, 30%; 16,813 homozygotes.

Submission:

PreventionGenetics, part of Exact Sciences
Classification: Benign for MEIOB-related condition. Last evaluated: 2019-11-07. Review status: no assertion criteria provided. Collection method: clinical testing. Allele origin: germline.
Comment: This variant is classified as benign based on ACMG/AMP sequence variant interpretation guidelines (Richards et al. 2015 PMID: 25741868, with internal and published modifications).